The following is an entry in ClinVar:

ClinVar aggregate classification (germline): Uncertain significance (1 of 4 stars; one submission).

Conditions:
Hereditary cancer-predisposing syndrome. Also called: Tumor predisposition; Neoplastic Syndromes, Hereditary; Hereditary neoplastic syndrome; Hereditary Cancer Syndrome. Identifiers: Orphanet 140162, MedGen C0027672, MeSH D009386, MONDO:0015356.

gnomAD v4.1: 2 of 1,598,688 alleles (0.00013%); highest among the groups gnomAD compares: Non-Finnish European, 0.00017%; no homozygotes.

Submission:

Ambry Genetics
Classification: Uncertain significance for Hereditary cancer-predisposing syndrome. Last evaluated: 2024-08-27. Review status: criteria provided, single submitter. Criteria: Ambry Variant Classification Scheme 2023. Collection method: clinical testing. Allele origin: germline.
Comment: The p.A1484V variant (also known as c.4451C>T), located in coding exon 33 of the TSC2 gene, results from a C to T substitution at nucleotide position 4451. The alanine at codon 1484 is replaced by valine, an amino acid with similar properties. This amino acid position is conserved. In addition, the in silico prediction for this alteration is inconclusive. Based on the available evidence, the clinical significance of this variant remains unclear.

NM_000548.5(TSC2):c.4451C>T (p.Ala1484Val)

Gene: TSC2 (TSC complex subunit 2; plus strand). Cytogenetic location: 16p13.3.
Variant type: single nucleotide variant.
Coding change: c.4451C>T on transcript NM_000548.5 (MANE Select); coding-DNA position 4451, C replaced by T.
Protein change: p.Ala1484Val; replaces alanine 1484 with valine.
Molecular consequence: missense variant. On other transcripts: non-coding transcript variant (5).
Genome position (GRCh38, 1-based): chr16:2,084,673, C>T. VCF-style: chr16-2084673-C-T. GRCh37 (hg19) VCF-style: chr16-2134674-C-T.
Other names: c.2906C>T, p.Ala969Val (NM_001406696.1, NM_001406697.1, NM_001406695.1); c.2648C>T, p.Ala883Val (NM_001406698.1); c.4322C>T, p.Ala1441Val (NM_021055.3, NM_001370405.1); c.4250C>T, p.Ala1417Val (NM_001077183.3); c.4382C>T, p.Ala1461Val (NM_001114382.3); c.4142C>T, p.Ala1381Val (NM_001318827.2); c.4106C>T, p.Ala1369Val (NM_001318829.2); c.3719C>T, p.Ala1240Val (NM_001318831.2); and 26 more; short protein forms A1284V, A1381V, A1411V, A1412V, A1458V, A1013V, A1240V, A1368V.
Identifiers: ClinVar variation 3462612 (VCV003462612.1).